The following is an entry in ClinVar:

NM_000051.4(ATM):c.4437-5A>G

Gene: ATM (ATM serine/threonine kinase; plus strand). Cytogenetic location: 11q22.3.
Variant type: single nucleotide variant.
Coding change: c.4437-5A>G on transcript NM_000051.4 (MANE Select); 5 bases into the intron before coding-DNA position 4437, A replaced by G.
Molecular consequence: intron variant.
Genome position (GRCh38, 1-based): chr11:108,292,614, A>G. VCF-style: chr11-108292614-A-G. GRCh37 (hg19) VCF-style: chr11-108163341-A-G.
Other names: c.4437-5A>G (NM_001351834.2).
Identifiers: ClinVar variation 229945 (VCV000229945.18), dbSNP rs876658290, ClinGen allele CA10579150.
Genomic context (GRCh38, chr11:108,292,614, plus strand): 5'-ATTTATTTCAGAGTAATTTTCCAGAACTTACTGGTTGTTGTTGTTTTTTTTTCTCCCTAT[A>G]TTAGGCCTTCTTGTATCATGGATGTGTCATTACGTAGCTTCTCCCTTTGTTGTGACTTAT-3'

ClinVar aggregate classification (germline): Conflicting classifications of pathogenicity. Review status: criteria provided, conflicting classifications (1 of 4 stars). 5 submissions from 5 submitters: Uncertain significance (1); Likely benign (4). Last evaluated 2025-12-31.

Conditions:
Hereditary cancer-predisposing syndrome. Also called: Hereditary Cancer Syndrome; Neoplastic Syndromes, Hereditary; Tumor predisposition; Hereditary neoplastic syndrome. Identifiers: Orphanet 140162, MedGen C0027672, MeSH D009386, MONDO:0015356.
Familial cancer of breast. Also called: Hereditary breast cancer; hereditary breast carcinoma; BREAST CANCER, FAMILIAL. Identifiers: Orphanet 227535, MedGen C0346153, MONDO:0016419, OMIM 114480. Disease mechanism: loss of function.
Ataxia-telangiectasia syndrome (AT). Also called: Ataxia telangiectasia (A-T); Ataxia-telangiectasia, complementation group E; LOUIS-BAR SYNDROME; Cerebello-oculocutaneous telangiectasia; Immunodeficiency with ataxia telangiectasia; Ataxia-telangiectasia, complementation group D. Identifiers: Orphanet 100, MedGen C0004135, MONDO:0008840, OMIM 208900.

Allele frequency attached by ClinVar (database versions not stated): gnomAD exomes below 0.00001.
gnomAD v4.1: 4 of 1,612,978 alleles (0.00025%); highest among the groups gnomAD compares: Non-Finnish European, 0.00034%; no homozygotes.

Submissions (5):

Labcorp Genetics (formerly Invitae), Labcorp
Classification: Likely benign for Ataxia-telangiectasia syndrome. Last evaluated: 2025-12-31. Review status: criteria provided, single submitter. Criteria: Invitae Variant Classification Sherloc (09022015). Collection method: clinical testing. Allele origin: germline.

Myriad Genetics, Inc.
Classification: Likely benign for Familial cancer of breast. Last evaluated: 2024-05-17. Review status: criteria provided, single submitter. Criteria: Myriad Autosomal Dominant, Autosomal Recessive and X-Linked Classification Criteria (2023). Collection method: clinical testing. Allele origin: unknown.
Comment: This variant is considered likely benign. This variant is intronic and is not expected to impact mRNA splicing.

Quest Diagnostics Nichols Institute San Juan Capistrano
Classification: Uncertain significance. Last evaluated: 2024-01-15. Review status: criteria provided, single submitter. Criteria: Quest Diagnostics criteria. Collection method: clinical testing. Allele origin: unknown.

Ambry Genetics
Classification: Likely benign for Hereditary cancer-predisposing syndrome. Last evaluated: 2020-09-18. Review status: criteria provided, single submitter. Criteria: Ambry Variant Classification Scheme 2023. Collection method: clinical testing. Allele origin: germline.

Color Diagnostics, LLC DBA Color Health
Classification: Likely benign for Hereditary cancer-predisposing syndrome. Last evaluated: 2016-08-31. Review status: criteria provided, single submitter. Criteria: ACMG Guidelines, 2015. Collection method: clinical testing. Allele origin: germline.